The following is an entry in ClinVar:

NM_006939.4(SOS2):c.2730T>A (p.Phe910Leu)

Gene: SOS2 (SOS Ras/Rho guanine nucleotide exchange factor 2; minus strand). Cytogenetic location: 14q21.3.
Variant type: single nucleotide variant.
Coding change: c.2730T>A on transcript NM_006939.4 (MANE Select); coding-DNA position 2730, T replaced by A.
Protein change: p.Phe910Leu; replaces phenylalanine 910 with leucine.
Molecular consequence: missense variant.
Genome position (GRCh38, 1-based): chr14:50,139,997, A>T on the plus strand (T>A on the coding strand, the complement: SOS2 is on the minus strand). VCF-style: chr14-50139997-A-T. GRCh37 (hg19) VCF-style: chr14-50606715-A-T.
Other names: c.2730T>A (NM_006939.2); short protein forms F910L.
Identifiers: ClinVar variation 1505100 (VCV001505100.9), dbSNP rs756711721, ClinGen allele CA7176961.

ClinVar aggregate classification (germline): Conflicting classifications of pathogenicity. Review status: criteria provided, conflicting classifications (1 of 4 stars). 2 submissions from 2 submitters: Uncertain significance (1); Likely benign (1). Last evaluated 2026-01-05.

Conditions:
Cardiovascular phenotype. Identifiers: MedGen CN230736.
Noonan syndrome 9 (NS9). Identifiers: Orphanet 648, MedGen C4225282, MONDO:0014691, OMIM 616559.

Allele frequency attached by ClinVar (database versions not stated): gnomAD exomes below 0.00001; ExAC 0.00001; gnomAD 0.00001; TOPMed 0.00002.

Submissions (2):

Labcorp Genetics (formerly Invitae), Labcorp
Classification: Likely benign for Noonan syndrome 9. Last evaluated: 2026-01-05. Review status: criteria provided, single submitter. Criteria: Invitae Variant Classification Sherloc (09022015). Collection method: clinical testing. Allele origin: germline.

Ambry Genetics
Classification: Uncertain significance for Cardiovascular phenotype. Last evaluated: 2022-12-01. Review status: criteria provided, single submitter. Criteria: Ambry Variant Classification Scheme 2023. Collection method: clinical testing. Allele origin: germline.
Comment: The p.F910L variant (also known as c.2730T>A), located in coding exon 17 of the SOS2 gene, results from a T to A substitution at nucleotide position 2730. The phenylalanine at codon 910 is replaced by leucine, an amino acid with highly similar properties. This amino acid position is conserved. In addition, this alteration is predicted to be tolerated by in silico analysis. Since supporting evidence is limited at this time, the clinical significance of this alteration remains unclear.